The following is an entry in ClinVar:

ClinVar aggregate classification (germline): Uncertain significance (1 of 4 stars; one submission).

Allele frequency attached by ClinVar (database versions not stated): gnomAD exomes below 0.00001 and 0.00001.
gnomAD v4.1: 8 of 1,609,112 alleles (0.0005%); highest among the groups gnomAD compares: Admixed American, 0.0017%; no homozygotes.

Submission:

Labcorp Genetics (formerly Invitae), Labcorp
Classification: Uncertain significance. Last evaluated: 2022-02-09. Review status: criteria provided, single submitter. Criteria: Invitae Variant Classification Sherloc (09022015). Collection method: clinical testing. Allele origin: germline.
Comment: In summary, the available evidence is currently insufficient to determine the role of this variant in disease. Therefore, it has been classified as a Variant of Uncertain Significance. Algorithms developed to predict the effect of missense changes on protein structure and function are either unavailable or do not agree on the potential impact of this missense change (SIFT: "Deleterious"; PolyPhen-2: "Possibly Damaging"; Align-GVGD: "Class C15"). This variant has not been reported in the literature in individuals affected with BMPER-related conditions. This variant is present in population databases (no rsID available, gnomAD 0.003%). This sequence change replaces glycine, which is neutral and non-polar, with arginine, which is basic and polar, at codon 352 of the BMPER protein (p.Gly352Arg).

NM_001365308.1(BMPER):c.1054G>A (p.Gly352Arg)

Gene: BMPER (BMP binding endothelial regulator; plus strand). Cytogenetic location: 7p14.3.
Variant type: single nucleotide variant.
Coding change: c.1054G>A on transcript NM_001365308.1 (MANE Select); coding-DNA position 1054, G replaced by A.
Protein change: p.Gly352Arg; replaces glycine 352 with arginine.
Molecular consequence: missense variant.
Genome position (GRCh38, 1-based): chr7:34,062,023, G>A. VCF-style: chr7-34062023-G-A. GRCh37 (hg19) VCF-style: chr7-34101635-G-A.
Other names: c.1054G>A, p.Gly352Arg (NM_133468.5); short protein forms G352R.
Identifiers: ClinVar variation 1489874 (VCV001489874.6), dbSNP rs1434938264, ClinGen allele CA367259012.